The following is an entry in ClinVar:

NM_000443.4(ABCB4):c.3680T>C (p.Ile1227Thr)

Gene: ABCB4 (ATP binding cassette subfamily B member 4; minus strand). Cytogenetic location: 7q21.12.
Variant type: single nucleotide variant.
Coding change: c.3680T>C on transcript NM_000443.4 (MANE Select); coding-DNA position 3680, T replaced by C.
Protein change: p.Ile1227Thr; replaces isoleucine 1227 with threonine.
Molecular consequence: missense variant.
Genome position (GRCh38, 1-based): chr7:87,402,256, A>G on the plus strand (T>C on the coding strand, the complement: ABCB4 is on the minus strand). VCF-style: chr7-87402256-A-G. GRCh37 (hg19) VCF-style: chr7-87031572-A-G.
Other names: c.3701T>C, p.Ile1234Thr (NM_018849.3); c.3539T>C, p.Ile1180Thr (NM_018850.3); short protein forms I1180T, I1227T, I1234T.
Identifiers: ClinVar variation 4846494 (VCV004846494.1).

ClinVar aggregate classification (germline): Uncertain significance (1 of 4 stars; one submission).

Conditions:
Familial intrahepatic cholestasis. Identifiers: Orphanet 284385, MedGen CN296401, MONDO:0017290.

gnomAD v4.1: 5 of 1,614,076 alleles (0.00031%); highest among the groups gnomAD compares: East Asian, 0.0022%; no homozygotes.

Submission:

Genomenon, Inc
Classification: Uncertain significance for Familial intrahepatic cholestasis. Last evaluated: 2026-04-14. Review status: criteria provided, single submitter. Criteria: Genomenon Sequence Variant Interpretation Standards - Updated. Collection method: curation. Allele origin: germline. Affected: yes.
Comment: ABCB4 p.Ile1227Thr (c.3680T>C) is a missense variant that changes the amino acid at residue 1227 from Isoleucine to Threonine. This variant has been observed in at least one proband with an ABCB4-related disorder (PMID:30755924). It has been observed in trans with a pathogenic or likely pathogenic variant (PMID:30755924). It is absent or not present at a significant frequency in gnomAD. In silico models predict that this variant is possibly or probably damaging. In conclusion, we classify ABCB4 p.Ile1227Thr (c.3680T>C) as a variant of uncertain significance.

Literature cited by the submitters: PubMed 30755924.